The following is an entry in ClinVar:

NM_024675.4(PALB2):c.2748+1G>C

Gene: PALB2 (partner and localizer of BRCA2; minus strand). Cytogenetic location: 16p12.2.
Variant type: single nucleotide variant.
Coding change: c.2748+1G>C on transcript NM_024675.4 (MANE Select); the canonical splice donor site of the intron after coding-DNA position 2748, G replaced by C.
Molecular consequence: splice donor variant. On other transcripts: intron variant (3).
Genome position (GRCh38, 1-based): chr16:23,626,235, C>G on the plus strand (G>C on the coding strand, the complement: PALB2 is on the minus strand). VCF-style: chr16-23626235-C-G. GRCh37 (hg19) VCF-style: chr16-23637556-C-G.
Other names: c.1863+1G>C (NM_001407308.1, NM_001407306.1, NM_001407309.1 and 4 more transcripts); c.282+1G>C (NM_001407314.1); c.960+1G>C (NM_001407313.1, NM_001407312.1); c.2688+1G>C (NM_001407296.1); c.2676+1G>C (NM_001407297.1); c.2587-2141G>C (NM_001407302.1, NM_001407298.1); c.2748+1G>C (NM_001407300.1, NM_001407299.1, NM_001407301.1); c.1702-2141G>C (NM_001407307.1).
Identifiers: ClinVar variation 372056 (VCV000372056.19), dbSNP rs753153576, ClinGen allele CA16042148.

ClinVar aggregate classification (germline): Pathogenic/Likely pathogenic. Review status: criteria provided, multiple submitters, no conflicts (2 of 4 stars). 7 submissions from 6 submitters: Pathogenic (1); Likely pathogenic (5). 1 of the submissions does not count toward it. Last evaluated 2026-08-10.

Conditions:
Breast-ovarian cancer, familial, susceptibility to, 5 (BROVCA5). Identifiers: MedGen C5830615, MONDO:0957530, OMIM 620442.
Hereditary cancer-predisposing syndrome. Also called: Tumor predisposition; Neoplastic Syndromes, Hereditary; Hereditary neoplastic syndrome; Hereditary Cancer Syndrome. Identifiers: Orphanet 140162, MedGen C0027672, MeSH D009386, MONDO:0015356.
Familial cancer of breast. Also called: hereditary breast carcinoma; Hereditary breast cancer; BREAST CANCER, FAMILIAL. Identifiers: Orphanet 227535, MedGen C0346153, MONDO:0016419, OMIM 114480. Disease mechanism: loss of function.

Submissions (7):

Myriad Genetics, Inc.
Classification: Likely pathogenic for Familial cancer of breast. Last evaluated: 2026-08-10. Review status: criteria provided, single submitter. Criteria: Myriad Autosomal Dominant, Autosomal Recessive and X-Linked Classification Criteria (2023). Collection method: clinical testing. Allele origin: unknown.
Comment: This variant is considered likely pathogenic. This variant occurs within a consensus splice junction and is predicted to result in abnormal mRNA splicing of either an out-of-frame exon or an in-frame exon necessary for protein stability and/or normal function.

Labcorp Genetics (formerly Invitae), Labcorp
Classification: Pathogenic for Familial cancer of breast. Last evaluated: 2023-08-28. Review status: criteria provided, single submitter. Criteria: Invitae Variant Classification Sherloc (09022015). Collection method: clinical testing. Allele origin: germline.
Comment: This variant is not present in population databases (gnomAD no frequency). For these reasons, this variant has been classified as Pathogenic. Other variant(s) that result in loss of exon 7 have been determined to be pathogenic (Invitae). This suggests that this variant may also be clinically significant and likely to be disease-causing. Studies have shown that disruption of this splice site results in skipping of exon 7, but is expected to preserve the integrity of the reading-frame (PMID: 30890586). ClinVar contains an entry for this variant (Variation ID: 372056). Disruption of this splice site has been observed in individual(s) with breast cancer (PMID: 28825143, 30720863, 31263054, 31841383). This sequence change affects a donor splice site in intron 7 of the PALB2 gene. RNA analysis indicates that disruption of this splice site induces altered splicing and likely results in a shortened protein product.

KCCC/NGS Laboratory, Kuwait Cancer Control Center
Classification: Likely pathogenic for Breast-ovarian cancer, familial, susceptibility to, 5. Last evaluated: 2023-07-07. Review status: criteria provided, single submitter. Criteria: ACMG Guidelines, 2015. Collection method: clinical testing. Allele origin: unknown. Affected: yes.
Comment: This sequence change affects a donor splice site in intron 7 of the PALB2 gene. RNA analysis indicates that disruption of this splice site induces altered splicing and likely results in a shortened protein product. This variant is not present in population databases (gnomAD no frequency). Disruption of this splice site has been observed in individual(s) with breast cancer (PMID: 28825143, 30720863, 31263054, 31841383). ClinVar contains an entry for this variant (Variation ID: 372056). Studies have shown that disruption of this splice site results in skipping of exon 7, but is expected to preserve the integrity of the reading-frame (PMID: 30890586). This variant disrupts the WD40-like repeats of the PALB2 protein, which are required for interactions with the BRCA2, POLH, and RAD51C proteins (PMID: 24141787, 24485656). While functional studies have not been performed to directly test the effect of this variant on PALB2 protein function, this suggests that disruption of this region of the protein is causative of disease. In summary, the currently available evidence indicates that the variant is pathogenic, but additional data are needed to prove that conclusively. Therefore, this variant has been classified as Likely Pathogenic.

KCCC/NGS Laboratory, Kuwait Cancer Control Center
Classification: Likely pathogenic for Familial cancer of breast. Last evaluated: 2023-07-05. Review status: criteria provided, single submitter. Criteria: ACMG Guidelines, 2015. Collection method: clinical testing. Allele origin: unknown. Inheritance: Autosomal dominant inheritance. Affected: yes. Observed: 1 heterozygote.
Comment: the same text as in the submission from KCCC/NGS Laboratory, Kuwait Cancer Control Center above.

Quest Diagnostics Nichols Institute San Juan Capistrano
Classification: Likely pathogenic. Last evaluated: 2023-04-21. Review status: criteria provided, single submitter. Criteria: Quest Diagnostics criteria. Collection method: clinical testing. Allele origin: unknown.
Comment: The PALB2 c.2748+1G>C variant disrupts a canonical splice-donor site and is predicted to interfere with normal PALB2 mRNA splicing. The resulting exon 7 skipping maintains the translational reading frame, but disrupts the WD40 protein domain involved in BRCA2-binding and DNA damage repair (PMIDs: 19423707 (2009), 17420451 (2007)). This variant has not been reported in the published literature. It also has not been reported in large, multi-ethnic general populations. Two other variants affecting this splice site, c.2748+1G>T and c.2748+1G>A, have been reported as deleterious in individuals with breast and ovarian cancer (PMIDs: 34282249 (2021), 32546565 (2021), 28888541 (2017), 28825143 (2017)). Based on the available information, the c.2748+1G>C variant is classified as likely pathogenic.

Color Diagnostics, LLC DBA Color Health
Classification: Likely pathogenic for Hereditary cancer-predisposing syndrome. Last evaluated: 2022-03-16. Review status: criteria provided, single submitter. Criteria: ACMG Guidelines, 2015. Collection method: clinical testing. Allele origin: germline.
Comment: This variant causes a G to C nucleotide substitution at the +1 position of intron 7 of the PALB2 gene. Splice site prediction tools predict that this variant may have a significant impact on RNA splicing. A different variant, c.2748+2T>G, has been shown to cause the in-frame skipping of exon 7 (PMID: 30890586), which is predicted to delete 54 a.a. (p.Asn863_Glu916del) in the functionally important WD40 repeats domain (PMID: 24141787, 24485656). Therefore, this variant is expected to result in an absent or disrupted protein product. This variant has not been reported in individuals affected with hereditary cancer in the literature. This variant has not been identified in the general population by the Genome Aggregation Database (gnomAD). Loss of PALB2 function is a known mechanism of disease. Based on the available evidence, this variant is classified as Likely Pathogenic.

Counsyl
Classification: Likely pathogenic for Familial cancer of breast. Last evaluated: 2016-11-02. Review status: no assertion criteria provided. Collection method: clinical testing. Allele origin: unknown. Not counted in ClinVar's aggregate classification.

Literature cited by the submitters: PubMed 30890586 (cited by Labcorp Genetics (formerly Invitae), Labcorp and Color Diagnostics, LLC DBA Color Health); PubMed 28825143 (cited by Labcorp Genetics (formerly Invitae), Labcorp); PubMed 30720863 (cited by Labcorp Genetics (formerly Invitae), Labcorp); PubMed 31263054 (cited by Labcorp Genetics (formerly Invitae), Labcorp); PubMed 31841383 (cited by Labcorp Genetics (formerly Invitae), Labcorp); PubMed 24141787 (cited by Color Diagnostics, LLC DBA Color Health); PubMed 24485656 (cited by Color Diagnostics, LLC DBA Color Health).